The following is an entry in ClinVar:

NM_001371928.1(AHDC1):c.841C>T (p.Arg281Cys)

Gene: AHDC1 (AT-hook DNA binding motif containing 1; minus strand). Cytogenetic location: 1p36.11.
Variant type: single nucleotide variant.
Coding change: c.841C>T on transcript NM_001371928.1 (MANE Select); coding-DNA position 841, C replaced by T.
Protein change: p.Arg281Cys; replaces arginine 281 with cysteine.
Molecular consequence: missense variant.
Genome position (GRCh38, 1-based): chr1:27,551,275, G>A on the plus strand (C>T on the coding strand, the complement: AHDC1 is on the minus strand). VCF-style: chr1-27551275-G-A. GRCh37 (hg19) VCF-style: chr1-27877786-G-A.
Other names: c.841C>T, p.Arg281Cys (NM_001029882.3); short protein forms R281C.
Identifiers: ClinVar variation 1302273 (VCV001302273.2), dbSNP rs1283205130, ClinGen allele CA339235977.

ClinVar aggregate classification (germline): Uncertain significance (1 of 4 stars; one submission).

Allele frequency attached by ClinVar (database versions not stated): gnomAD 0.00001; gnomAD exomes 0.00001; TOPMed 0.00001.
gnomAD v4.1: 8 of 1,610,452 alleles (0.0005%); highest among the groups gnomAD compares: East Asian, 0.0022%; no homozygotes.

Submission:

GeneDx
Classification: Uncertain significance. Last evaluated: 2020-01-29. Review status: criteria provided, single submitter. Criteria: GeneDx Variant Classification Process June 2021. Collection method: clinical testing. Allele origin: germline. Affected: yes.
Comment: In silico analysis, which includes protein predictors and evolutionary conservation, supports that this variant does not alter protein structure/function; Has not been previously published as pathogenic or benign to our knowledge